The following is an entry in ClinVar:

NM_001080453.3(INTS1):c.1326C>T (p.Ile442=)

Gene: INTS1 (integrator complex subunit 1; minus strand). Cytogenetic location: 7p22.3.
Variant type: single nucleotide variant.
Coding change: c.1326C>T on transcript NM_001080453.3 (MANE Select); coding-DNA position 1326, C replaced by T.
Protein change: p.Ile442=; no amino-acid change (isoleucine 442 retained).
Molecular consequence: synonymous variant.
Genome position (GRCh38, 1-based): chr7:1,498,511, G>A on the plus strand (C>T on the coding strand, the complement: INTS1 is on the minus strand). VCF-style: chr7-1498511-G-A. GRCh37 (hg19) VCF-style: chr7-1538147-G-A.
Identifiers: ClinVar variation 792066 (VCV000792066.6), dbSNP rs79245429, ClinGen allele CA4120366.

ClinVar aggregate classification (germline): Benign. Review status: criteria provided, single submitter (1 of 4 stars). 2 submissions from 2 submitters: Benign (1). 1 of the submissions does not count toward it. Last evaluated 2019-12-31.

Conditions:
INTS1-related disorder. Also called: INTS1-related condition.

Allele frequency attached by ClinVar (database versions not stated): ExAC 0.00882; gnomAD 0.02978 and 0.03191; ESP Exome Variant Server 0.03176; 1000 Genomes Project 0.03315; TOPMed 0.03358; 1000 Genomes Project 30x 0.03529.

Submissions (2):

Labcorp Genetics (formerly Invitae), Labcorp
Classification: Benign. Last evaluated: 2019-12-31. Review status: criteria provided, single submitter. Criteria: Invitae Variant Classification Sherloc (09022015). Collection method: clinical testing. Allele origin: germline.

PreventionGenetics, part of Exact Sciences
Classification: Benign for INTS1-related condition. Last evaluated: 2019-12-06. Review status: no assertion criteria provided. Collection method: clinical testing. Allele origin: germline. Not counted in ClinVar's aggregate classification.
Comment: This variant is classified as benign based on ACMG/AMP sequence variant interpretation guidelines (Richards et al. 2015 PMID: 25741868, with internal and published modifications).